The following is an entry in ClinVar:

NM_004482.4(GALNT3):c.1670A>G (p.Gln557Arg)

Gene: GALNT3 (polypeptide N-acetylgalactosaminyltransferase 3; minus strand). Cytogenetic location: 2q24.3.
Variant type: single nucleotide variant.
Coding change: c.1670A>G on transcript NM_004482.4 (MANE Select); coding-DNA position 1670, A replaced by G.
Protein change: p.Gln557Arg; replaces glutamine 557 with arginine.
Molecular consequence: missense variant.
Genome position (GRCh38, 1-based): chr2:165,749,851, T>C on the plus strand (A>G on the coding strand, the complement: GALNT3 is on the minus strand). VCF-style: chr2-165749851-T-C. GRCh37 (hg19) VCF-style: chr2-166606361-T-C.
Other names: short protein forms Q557R.
Identifiers: ClinVar variation 1938562 (VCV001938562.2), dbSNP rs1177400674, ClinGen allele CA349028767.

ClinVar aggregate classification (germline): Uncertain significance (1 of 4 stars; one submission).

Allele frequency attached by ClinVar (database versions not stated): gnomAD 0.00001; gnomAD exomes 0.00001; TOPMed 0.00001.
gnomAD v4.1: 4 of 1,613,582 alleles (0.00025%); highest among the groups gnomAD compares: Admixed American, 0.0033%; no homozygotes.

Submission:

Labcorp Genetics (formerly Invitae), Labcorp
Classification: Uncertain significance. Last evaluated: 2022-08-16. Review status: criteria provided, single submitter. Criteria: Invitae Variant Classification Sherloc (09022015). Collection method: clinical testing. Allele origin: germline.
Comment: This sequence change replaces glutamine, which is neutral and polar, with arginine, which is basic and polar, at codon 557 of the GALNT3 protein (p.Gln557Arg). This variant is present in population databases (no rsID available, gnomAD 0.003%). This variant has not been reported in the literature in individuals affected with GALNT3-related conditions. Algorithms developed to predict the effect of missense changes on protein structure and function are either unavailable or do not agree on the potential impact of this missense change (SIFT: "Deleterious"; PolyPhen-2: "Probably Damaging"; Align-GVGD: "Class C0"). In summary, the available evidence is currently insufficient to determine the role of this variant in disease. Therefore, it has been classified as a Variant of Uncertain Significance.